The following is an entry in ClinVar:

ClinVar aggregate classification (germline): Pathogenic (1 of 4 stars; one submission).

Conditions:
Muscular dystrophy-dystroglycanopathy type B6 (MDDGB6). Also called: MUSCULAR DYSTROPHY, CONGENITAL, LARGE-RELATED; MUSCULAR DYSTROPHY, CONGENITAL, TYPE 1D; MUSCULAR DYSTROPHY-DYSTROGLYCANOPATHY (CONGENITAL WITH IMPAIRED INTELLECTUAL DEVELOPMENT), TYPE B, 6. Identifiers: MedGen C1837229, MONDO:0012138, OMIM 608840.

Submission:

Labcorp Genetics (formerly Invitae), Labcorp
Classification: Pathogenic for Muscular dystrophy-dystroglycanopathy type B6. Last evaluated: 2019-10-19. Review status: criteria provided, single submitter. Criteria: Invitae Variant Classification Sherloc (09022015). Collection method: clinical testing. Allele origin: germline.
Comment: For these reasons, this variant has been classified as Pathogenic. Loss-of-function variants in LARGE1 are known to be pathogenic (PMID: 12966029, 17878207). This variant has not been reported in the literature in individuals with LARGE1-related conditions. This variant is not present in population databases (ExAC no frequency). This sequence change creates a premature translational stop signal (p.Leu567Cysfs*26) in the LARGE1 gene. It is expected to result in an absent or disrupted protein product.

Literature cited by the submitters: PubMed 12966029; PubMed 17878207.

NM_133642.5(LARGE1):c.1699del (p.Leu567fs)

Gene: LARGE1 (LARGE xylosyl- and glucuronyltransferase 1; minus strand). Cytogenetic location: 22q12.3.
Variant type: Deletion.
Coding change: c.1699del on transcript NM_133642.5 (MANE Select); coding-DNA position 1699, one base deleted (C; older notation c.1699delC).
Protein change: p.Leu567fs; shifts the reading frame from leucine 567.
Molecular consequence: frameshift variant.
Genome position (GRCh38, 1-based): chr22:33,304,260, G deleted on the plus strand (C on the coding strand, the reverse complement: LARGE1 is on the minus strand); the first of 2 consecutive G bases (chr22:33,304,260-33,304,261); deleting either gives the same sequence. VCF-style (leftmost placement, unchanged base first): chr22-33304259-AG-A. GRCh37 (hg19) VCF-style: chr22-33700245-AG-A.
Other names: c.940del, p.Leu314fs (NM_001378631.1); c.1699del, p.Leu567fs (NM_004737.7, NM_001362949.2, NM_001362951.2 and 6 more transcripts); c.1543del, p.Leu515fs (NM_001378629.1); c.1096del, p.Leu366fs (NM_001378630.1); short protein forms L366fs, L314fs, L515fs, L567fs.
Identifiers: ClinVar variation 936917 (VCV000936917.8), dbSNP rs1934564024, ClinGen allele CA1139667080.